The following is an entry in ClinVar:

ClinVar aggregate classification (germline): Uncertain significance. Review status: criteria provided, multiple submitters, no conflicts (2 of 4 stars). 2 submissions from 2 submitters: Uncertain significance (2). Last evaluated 2026-09-11.

Conditions:
Cardiovascular phenotype. Identifiers: MedGen CN230736.
Arrhythmogenic cardiomyopathy with wooly hair and keratoderma. Also called: PALMOPLANTAR KERATODERMA WITH LEFT VENTRICULAR CARDIOMYOPATHY AND WOOLLY HAIR; Dilated cardiomyopathy with woolly hair and keratoderma; Arrhythmogenic cardiomyopathy with woolly hair and keratoderma; Carvajal syndrome. Identifiers: Orphanet 65282, MedGen C1854063, MONDO:0011581, OMIM 605676.
Arrhythmogenic right ventricular dysplasia 8 (ARVD8). Also called: Arrhythmogenic Right Ventricular Dysplasia/Cardiomyopathy 8; ARRHYTHMOGENIC RIGHT VENTRICULAR DYSPLASIA, FAMILIAL, 8; ARRHYTHMOGENIC RIGHT VENTRICULAR CARDIOMYOPATHY 8. Identifiers: MedGen C1843896, MONDO:0011831, OMIM 607450.
Lethal acantholytic epidermolysis bullosa (EBLA). Identifiers: Orphanet 158687, MedGen C1864826, MONDO:0012323, OMIM 609638.
Cardiomyopathy, dilated, with wooly hair, keratoderma, and tooth agenesis. Also called: Cardiomyopathy, dilated, with woolly hair, keratoderma, and tooth agenesis; Erythrokeratodermia-cardiomyopathy syndrome. Identifiers: Orphanet 476096, Orphanet 65282, MedGen C4014393, MONDO:0014355, OMIM 615821.
Keratosis palmoplantaris striata 2. Also called: Keratosis palmoplantaris striata II; KERATODERMA, PALMOPLANTAR, STRIATE FORM II; STRIATE PALMOPLANTAR KERATODERMA II. Identifiers: MedGen C1852127, MONDO:0013034, OMIM 612908.

Submissions (2):

Ambry Genetics
Classification: Uncertain significance for Cardiovascular phenotype. Last evaluated: 2026-09-11. Review status: criteria provided, single submitter. Criteria: Ambry Variant Classification Scheme 2023. Collection method: clinical testing. Allele origin: germline.
Comment: The p.F1559L variant (also known as c.4677C>G), located in coding exon 23 of the DSP gene, results from a C to G substitution at nucleotide position 4677. The phenylalanine at codon 1559 is replaced by leucine, an amino acid with highly similar properties. This amino acid position is conserved. In addition, this alteration is predicted to be tolerated by in silico analysis. Based on the available evidence, the clinical significance of this variant remains unclear.

Fulgent Genetics
Classification: Uncertain significance for Arrhythmogenic cardiomyopathy with wooly hair and keratoderma; Arrhythmogenic right ventricular dysplasia 8; Lethal acantholytic epidermolysis bullosa; Keratosis palmoplantaris striata 2; Cardiomyopathy, dilated, with wooly hair, keratoderma, and tooth agenesis. Last evaluated: 2024-04-07. Review status: criteria provided, single submitter. Criteria: ACMG Guidelines, 2015. Collection method: clinical testing. Allele origin: germline.

NM_004415.4(DSP):c.4677C>G (p.Phe1559Leu)

Gene: DSP (desmoplakin; plus strand). Cytogenetic location: 6p24.3.
Variant type: single nucleotide variant.
Coding change: c.4677C>G on transcript NM_004415.4 (MANE Select); coding-DNA position 4677, C replaced by G.
Protein change: p.Phe1559Leu; replaces phenylalanine 1559 with leucine.
Molecular consequence: missense variant. On other transcripts: intron variant (2).
Genome position (GRCh38, 1-based): chr6:7,580,867, C>G. VCF-style: chr6-7580867-C-G. GRCh37 (hg19) VCF-style: chr6-7581100-C-G.
Other names: c.4050+627C>G (NM_001319034.2); c.3582+1095C>G (NM_001008844.3); short protein forms F1559L.
Identifiers: ClinVar variation 3594143 (VCV003594143.2).